The following is an entry in ClinVar:

NM_003816.3(ADAM9):c.689G>A (p.Arg230Lys)

Gene: ADAM9 (ADAM metallopeptidase domain 9; plus strand). Cytogenetic location: 8p11.22.
Variant type: single nucleotide variant.
Coding change: c.689G>A on transcript NM_003816.3 (MANE Select); coding-DNA position 689, G replaced by A.
Protein change: p.Arg230Lys; replaces arginine 230 with lysine.
Molecular consequence: missense variant. On other transcripts: non-coding transcript variant (3).
Genome position (GRCh38, 1-based): chr8:39,021,659, G>A. VCF-style: chr8-39021659-G-A. GRCh37 (hg19) VCF-style: chr8-38879178-G-A.
Other names: short protein forms R230K.
Identifiers: ClinVar variation 2128937 (VCV002128937.4), dbSNP rs2491994895, ClinGen allele CA370753850.
Genomic context (GRCh38, chr8:39,021,659, plus strand): 5'-TAAAGTACTTTGGTGATAATGATTCTCCTTCTTTGCTTTTCCAGTATGACATGATGGGAA[G>A]AAATCAGACTGCTGTGAGAGAAGAGATGATTCTCCTGGCAAACTACTTGGATAGTGTAAG-3'
Protein context (NP_003807.1, residues 220-240): VDKERYDMMG[Arg230Lys]NQTAVREEMI

ClinVar aggregate classification (germline): Uncertain significance (1 of 4 stars; one submission).

Allele frequency attached by ClinVar (database versions not stated): gnomAD exomes below 0.00001.
gnomAD v4.1: 1 of 1,613,996 alleles (0.000062%); highest among the groups gnomAD compares: Non-Finnish European, 0.000085%; no homozygotes.

Submission:

Labcorp Genetics (formerly Invitae), Labcorp
Classification: Uncertain significance. Last evaluated: 2024-04-17. Review status: criteria provided, single submitter. Criteria: Invitae Variant Classification Sherloc (09022015). Collection method: clinical testing. Allele origin: germline.
Comment: This sequence change replaces arginine, which is basic and polar, with lysine, which is basic and polar, at codon 230 of the ADAM9 protein (p.Arg230Lys). This variant is not present in population databases (gnomAD no frequency). This variant has not been reported in the literature in individuals affected with ADAM9-related conditions. ClinVar contains an entry for this variant (Variation ID: 2128937). Advanced modeling of protein sequence and biophysical properties (such as structural, functional, and spatial information, amino acid conservation, physicochemical variation, residue mobility, and thermodynamic stability) performed at Invitae indicates that this missense variant is not expected to disrupt ADAM9 protein function with a negative predictive value of 80%. In summary, the available evidence is currently insufficient to determine the role of this variant in disease. Therefore, it has been classified as a Variant of Uncertain Significance.